The following is an entry in ClinVar:

NM_001297.5(CNGB1):c.858A>G (p.Ile286Met)

Gene: CNGB1 (cyclic nucleotide gated channel subunit beta 1; minus strand). Cytogenetic location: 16q21.
Variant type: single nucleotide variant.
Coding change: c.858A>G on transcript NM_001297.5 (MANE Select); coding-DNA position 858, A replaced by G.
Protein change: p.Ile286Met; replaces isoleucine 286 with methionine.
Molecular consequence: missense variant.
Genome position (GRCh38, 1-based): chr16:57,957,357, T>C on the plus strand (A>G on the coding strand, the complement: CNGB1 is on the minus strand). VCF-style: chr16-57957357-T-C. GRCh37 (hg19) VCF-style: chr16-57991261-T-C.
Other names: c.858A>G, p.Ile286Met (NM_001135639.2); c.840A>G, p.Ile280Met (NM_001286130.2); short protein forms I280M, I286M.
Identifiers: ClinVar variation 1370257 (VCV001370257.5), dbSNP rs1319171358, ClinGen allele CA396076420.

ClinVar aggregate classification (germline): Uncertain significance (1 of 4 stars; one submission).

Allele frequency attached by ClinVar (database versions not stated): gnomAD exomes below 0.00001; gnomAD 0.00001.
gnomAD v4.1: 7 of 1,613,956 alleles (0.00043%); highest among the groups gnomAD compares: Admixed American, 0.0033%; no homozygotes.

Submission:

Labcorp Genetics (formerly Invitae), Labcorp
Classification: Uncertain significance. Last evaluated: 2024-01-02. Review status: criteria provided, single submitter. Criteria: Invitae Variant Classification Sherloc (09022015). Collection method: clinical testing. Allele origin: germline.
Comment: This sequence change replaces isoleucine, which is neutral and non-polar, with methionine, which is neutral and non-polar, at codon 286 of the CNGB1 protein (p.Ile286Met). This variant is present in population databases (no rsID available, gnomAD 0.0009%). This variant has not been reported in the literature in individuals affected with CNGB1-related conditions. ClinVar contains an entry for this variant (Variation ID: 1370257). Advanced modeling of protein sequence and biophysical properties (such as structural, functional, and spatial information, amino acid conservation, physicochemical variation, residue mobility, and thermodynamic stability) performed at Invitae indicates that this missense variant is not expected to disrupt CNGB1 protein function with a negative predictive value of 95%. In summary, the available evidence is currently insufficient to determine the role of this variant in disease. Therefore, it has been classified as a Variant of Uncertain Significance.